The following is an entry in ClinVar:

ClinVar aggregate classification (germline): Uncertain significance. Review status: criteria provided, multiple submitters, no conflicts (2 of 4 stars). 2 submissions from 2 submitters: Uncertain significance (2). Last evaluated 2024-10-03.

Allele frequency attached by ClinVar (database versions not stated): TOPMed below 0.00001; gnomAD 0.00001; gnomAD exomes 0.00001 and 0.00002; ExAC 0.00002.
gnomAD v4.1: 19 of 1,613,626 alleles (0.0012%); highest among the groups gnomAD compares: Middle Eastern, 0.016%; no homozygotes.

Submissions (2):

Blueprint Genetics
Classification: Uncertain significance. Last evaluated: 2024-10-03. Review status: criteria provided, single submitter. Criteria: ACMG Guidelines, 2015. Collection method: clinical testing. Allele origin: germline.

Labcorp Genetics (formerly Invitae), Labcorp
Classification: Uncertain significance. Last evaluated: 2021-09-01. Review status: criteria provided, single submitter. Criteria: Invitae Variant Classification Sherloc (09022015). Collection method: clinical testing. Allele origin: germline.
Comment: This sequence change replaces glutamic acid with alanine at codon 829 of the PDE6C protein (p.Glu829Ala). The glutamic acid residue is moderately conserved and there is a moderate physicochemical difference between glutamic acid and alanine. This variant is present in population databases (rs746955848, ExAC 0.006%). This variant has not been reported in the literature in individuals affected with PDE6C-related conditions. Algorithms developed to predict the effect of missense changes on protein structure and function (SIFT, PolyPhen-2, Align-GVGD) all suggest that this variant is likely to be tolerated. In summary, the available evidence is currently insufficient to determine the role of this variant in disease. Therefore, it has been classified as a Variant of Uncertain Significance.

NM_006204.4(PDE6C):c.2486A>C (p.Glu829Ala)

Gene: PDE6C (phosphodiesterase 6C; plus strand). Cytogenetic location: 10q23.33.
Variant type: single nucleotide variant.
Coding change: c.2486A>C on transcript NM_006204.4 (MANE Select); coding-DNA position 2486, A replaced by C.
Protein change: p.Glu829Ala; replaces glutamic acid 829 with alanine.
Molecular consequence: missense variant.
Genome position (GRCh38, 1-based): chr10:93,663,146, A>C. VCF-style: chr10-93663146-A-C. GRCh37 (hg19) VCF-style: chr10-95422903-A-C.
Other names: short protein forms E829A.
Identifiers: ClinVar variation 840009 (VCV000840009.8), dbSNP rs746955848, ClinGen allele CA5610510.
Genomic context (GRCh38, chr10:93,663,146, plus strand): 5'-GAGTAGAATGGAAATCACTAGCTGATGAGTATGATGCAAAGATGAAGGTCATTGAAGAGG[A>C]GGCAAAAAAGCAAGAAGGAGGAGCCGAAAAAGGTTAGATGGGCTCTGTTTTTGCTCCCTG-3'
Protein context (NP_006195.3, residues 819-839): YDAKMKVIEE[Glu829Ala]AKKQEGGAEK